The following is an entry in ClinVar:

ClinVar aggregate classification (germline): Uncertain significance (1 of 4 stars; one submission).

Conditions:
Hypertrophic cardiomyopathy 19. Also called: Familial hypertrophic cardiomyopathy 19. Identifiers: MedGen CN077603, MONDO:0013476.

gnomAD v4.1: 11 of 1,613,852 alleles (0.00068%); highest among the groups gnomAD compares: African/African-American, 0.012%; no homozygotes.

Submission:

Labcorp Genetics (formerly Invitae), Labcorp
Classification: Uncertain significance for Hypertrophic cardiomyopathy 19. Last evaluated: 2024-08-24. Review status: criteria provided, single submitter. Criteria: Invitae Variant Classification Sherloc (09022015). Collection method: clinical testing. Allele origin: germline.
Comment: This sequence change replaces threonine, which is neutral and polar, with lysine, which is basic and polar, at codon 209 of the CALR3 protein (p.Thr209Lys). The frequency data for this variant in the population databases is considered unreliable, as metrics indicate poor data quality at this position in the gnomAD database. This variant has not been reported in the literature in individuals affected with CALR3-related conditions. Invitae Evidence Modeling of protein sequence and biophysical properties (such as structural, functional, and spatial information, amino acid conservation, physicochemical variation, residue mobility, and thermodynamic stability) indicates that this missense variant is not expected to disrupt CALR3 protein function with a negative predictive value of 80%. In summary, the available evidence is currently insufficient to determine the role of this variant in disease. Therefore, it has been classified as a Variant of Uncertain Significance.

NM_145046.5(CALR3):c.626C>A (p.Thr209Lys)

Gene: CALR3 (calreticulin 3; minus strand). Cytogenetic location: 19p13.11.
Variant type: single nucleotide variant.
Coding change: c.626C>A on transcript NM_145046.5 (MANE Select); coding-DNA position 626, C replaced by A.
Protein change: p.Thr209Lys; replaces threonine 209 with lysine.
Molecular consequence: missense variant.
Genome position (GRCh38, 1-based): chr19:16,483,982, G>T on the plus strand (C>A on the coding strand, the complement: CALR3 is on the minus strand). VCF-style: chr19-16483982-G-T. GRCh37 (hg19) VCF-style: chr19-16594793-G-T.
Other names: short protein forms T209K.
Identifiers: ClinVar variation 3698071 (VCV003698071.2).